The following is an entry in ClinVar:

NM_000038.6(APC):c.136-16G>A

Gene: APC (APC regulator of Wnt signaling pathway; plus strand). Cytogenetic location: 5q22.2.
Variant type: single nucleotide variant.
Coding change: c.136-16G>A on transcript NM_000038.6 (MANE Select); 16 bases into the intron before coding-DNA position 136, G replaced by A.
Molecular consequence: intron variant.
Genome position (GRCh38, 1-based): chr5:112,766,310, G>A. VCF-style: chr5-112766310-G-A. GRCh37 (hg19) VCF-style: chr5-112102007-G-A.
Other names: c.136-16G>A (NM_001407450.1, NM_001407457.1, NM_001407458.1 and 16 more transcripts); c.-42-16G>A (NM_001407453.1, NM_001354900.2, NM_001354901.2 and 1 more transcripts); c.61-16G>A (NM_001407451.1, NM_001354898.2, NM_001354904.2); c.-900-16G>A (NM_001354906.2, NM_001407471.1, NM_001407470.1 and 1 more transcripts); c.166-16G>A (NM_001407446.1, NM_001354897.2, NM_001354902.2 and 1 more transcripts).
Identifiers: ClinVar variation 2856997 (VCV002856997.4), dbSNP rs1756310679, ClinGen allele CA1573494783.

ClinVar aggregate classification (germline): Likely benign. Review status: criteria provided, multiple submitters, no conflicts (2 of 4 stars). 2 submissions from 2 submitters: Likely benign (2). Last evaluated 2024-02-22.

Conditions:
Familial adenomatous polyposis 1 (FAP1). Also called: FAMILIAL ADENOMATOUS POLYPOSIS 1, ATTENUATED; POLYPOSIS, ADENOMATOUS INTESTINAL. Identifiers: MedGen C2713442, MONDO:0021056, OMIM 175100. Disease mechanism: loss of function.

Allele frequency attached by ClinVar (database versions not stated): gnomAD exomes below 0.00001.
gnomAD v4.1: 1 of 1,498,644 alleles (0.000067%); highest among the groups gnomAD compares: Non-Finnish European, 0.000093%; no homozygotes.

Submissions (2):

Myriad Genetics, Inc.
Classification: Likely benign for Familial adenomatous polyposis 1. Last evaluated: 2024-02-22. Review status: criteria provided, single submitter. Criteria: Myriad Autosomal Dominant, Autosomal Recessive and X-Linked Classification Criteria (2023). Collection method: clinical testing. Allele origin: unknown.
Comment: This variant is considered likely benign. This variant is intronic and is not expected to impact mRNA splicing.

Labcorp Genetics (formerly Invitae), Labcorp
Classification: Likely benign for Familial adenomatous polyposis 1. Last evaluated: 2023-04-04. Review status: criteria provided, single submitter. Criteria: Invitae Variant Classification Sherloc (09022015). Collection method: clinical testing. Allele origin: germline.